The following is an entry in ClinVar:

NM_001148.6(ANK2):c.3508G>A (p.Val1170Ile)

Gene: ANK2 (ankyrin 2; plus strand). Cytogenetic location: 4q26.
Variant type: single nucleotide variant.
Coding change: c.3508G>A on transcript NM_001148.6 (MANE Select); coding-DNA position 3508, G replaced by A.
Protein change: p.Val1170Ile; replaces valine 1170 with isoleucine.
Molecular consequence: missense variant. On other transcripts: 5 prime UTR variant (2).
Genome position (GRCh38, 1-based): chr4:113,335,974, G>A. VCF-style: chr4-113335974-G-A. GRCh37 (hg19) VCF-style: chr4-114257130-G-A.
Other names: c.3481G>A, p.Val1161Ile (NM_001127493.3); c.3520G>A, p.Val1174Ile (NM_001354225.2); c.3409G>A, p.Val1137Ile (NM_001354228.2, NM_001354258.2); c.3487G>A, p.Val1163Ile (NM_001354230.2); c.3550G>A, p.Val1184Ile (NM_001354231.2, NM_001354242.2); c.3544G>A, p.Val1182Ile (NM_001354232.2); c.3505G>A, p.Val1169Ile (NM_001354235.2, NM_001354246.2, NM_001354265.2); c.3406G>A, p.Val1136Ile (NM_001354236.2); and 31 more; short protein forms V1070I, V1075I, V1083I, V1095I, V1125I, V1127I, V1149I, V1153I.
Identifiers: ClinVar variation 2585799 (VCV002585799.2), dbSNP rs1486240382, ClinGen allele CA357937736.

ClinVar aggregate classification (germline): Uncertain significance (1 of 4 stars; one submission).

Conditions:
Cardiovascular phenotype. Identifiers: MedGen CN230736.

Allele frequency attached by ClinVar (database versions not stated): gnomAD 0.00001; TOPMed 0.00001.
gnomAD v4.1: 3 of 1,614,016 alleles (0.00019%); highest among the groups gnomAD compares: African/African-American, 0.0027%; no homozygotes.

Submission:

Ambry Genetics
Classification: Uncertain significance for Cardiovascular phenotype. Last evaluated: 2023-07-12. Review status: criteria provided, single submitter. Criteria: Ambry Variant Classification Scheme 2023. Collection method: clinical testing. Allele origin: germline.
Comment: The p.V1170I variant (also known as c.3508G>A), located in coding exon 30 of the ANK2 gene, results from a G to A substitution at nucleotide position 3508. The valine at codon 1170 is replaced by isoleucine, an amino acid with highly similar properties. This amino acid position is conserved. In addition, this alteration is predicted to be tolerated by in silico analysis. Since supporting evidence is limited at this time, the clinical significance of this alteration remains unclear.